The following is an entry in ClinVar:

ClinVar aggregate classification (germline): Uncertain significance (1 of 4 stars; one submission).

Conditions:
ALG9 congenital disorder of glycosylation (CDG1L). Also called: CDG Il; ALG9-CDG; CONGENITAL DISORDER OF GLYCOSYLATION, TYPE Il. Identifiers: Orphanet 79328, MedGen C2931006, MONDO:0012117, OMIM 608776.

Allele frequency attached by ClinVar (database versions not stated): gnomAD exomes 0.00001; TOPMed 0.00001.
gnomAD v4.1: 5 of 1,613,934 alleles (0.00031%); highest among the groups gnomAD compares: Non-Finnish European, 0.00042%; no homozygotes.

Submission:

Labcorp Genetics (formerly Invitae), Labcorp
Classification: Uncertain significance for ALG9 congenital disorder of glycosylation. Last evaluated: 2022-05-14. Review status: criteria provided, single submitter. Criteria: Invitae Variant Classification Sherloc (09022015). Collection method: clinical testing. Allele origin: germline.
Comment: In summary, the available evidence is currently insufficient to determine the role of this variant in disease. Therefore, it has been classified as a Variant of Uncertain Significance. Algorithms developed to predict the effect of missense changes on protein structure and function are either unavailable or do not agree on the potential impact of this missense change (SIFT: "Deleterious"; PolyPhen-2: "Probably Damaging"; Align-GVGD: "Class C0"). This variant has not been reported in the literature in individuals affected with ATP6V0A2-related conditions. This variant is not present in population databases (gnomAD no frequency). This sequence change replaces methionine, which is neutral and non-polar, with leucine, which is neutral and non-polar, at codon 411 of the ATP6V0A2 protein (p.Met411Leu).

NM_012463.4(ATP6V0A2):c.1231A>C (p.Met411Leu)

Gene: ATP6V0A2 (ATPase H+ transporting V0 subunit a2; plus strand). Cytogenetic location: 12q24.31.
Variant type: single nucleotide variant.
Coding change: c.1231A>C on transcript NM_012463.4 (MANE Select); coding-DNA position 1231, A replaced by C.
Protein change: p.Met411Leu; replaces methionine 411 with leucine.
Molecular consequence: missense variant.
Genome position (GRCh38, 1-based): chr12:123,744,242, A>C. VCF-style: chr12-123744242-A-C. GRCh37 (hg19) VCF-style: chr12-124228789-A-C.
Other names: short protein forms M411L.
Identifiers: ClinVar variation 2162563 (VCV002162563.3), dbSNP rs766987475, ClinGen allele CA245200441.
Genomic context (GRCh38, chr12:123,744,242, plus strand): 5'-CTTTCCCTTTTTTCTGCAGCTCTCTTTACCATCATCACCTTCCCGTTTTTATTTGCTGTG[A>C]TGTTTGGAGACTTCGGACATGGCTTTGTGATGTTTTTATTTGCCCTCTTGTTGGTGTTAA-3'
Protein context (NP_036595.2, residues 401-421): IITFPFLFAV[Met411Leu]FGDFGHGFVM